The following is an entry in ClinVar:

NM_001009944.3(PKD1):c.9851G>A (p.Cys3284Tyr)

Gene: PKD1 (polycystin 1, transient receptor potential channel interacting; minus strand). Cytogenetic location: 16p13.3.
Variant type: single nucleotide variant.
Coding change: c.9851G>A on transcript NM_001009944.3 (MANE Select); coding-DNA position 9851, G replaced by A.
Protein change: p.Cys3284Tyr; replaces cysteine 3284 with tyrosine.
Molecular consequence: missense variant.
Genome position (GRCh38, 1-based): chr16:2,099,933, C>T on the plus strand (G>A on the coding strand, the complement: PKD1 is on the minus strand). VCF-style: chr16-2099933-C-T. GRCh37 (hg19) VCF-style: chr16-2149934-C-T.
Other names: c.9851G>A, p.Cys3284Tyr (NM_000296.4); short protein forms C3284Y.
Identifiers: ClinVar variation 3066096 (VCV003066096.1), dbSNP rs2544712909, ClinGen allele CA394353419.

ClinVar aggregate classification (germline): Uncertain significance (1 of 4 stars; one submission).

Conditions:
Polycystic kidney disease, adult type (PKD1). Also called: Polycystic Kidney, Autosomal Dominant; POLYCYSTIC KIDNEY DISEASE 1 WITH OR WITHOUT POLYCYSTIC LIVER DISEASE; Polycystic Kidney Disease 1, Autosomal Dominant; Polycystic kidney disease 1; Polycystic kidney disease 1, severe; POLYCYSTIC KIDNEY DISEASE, ADULT, TYPE I. Identifiers: MedGen C3149841, MONDO:0008263, OMIM 173900.

Submission:

MVZ Medizinische Genetik Mainz
Classification: Uncertain significance for Polycystic kidney disease, adult type. Last evaluated: 2023-07-03. Review status: criteria provided, single submitter. Criteria: UK Practice Guidelines For Variant Classification V4 01 2020. Collection method: clinical testing. Allele origin: germline. Inheritance: Autosomal dominant inheritance. Affected: yes. Observed: 4 variant alleles. Clinical features observed: Renal cyst (HP:0000107), Polycystic kidney disease (HP:0000113), Multiple renal cysts (HP:0005562), Hepatic cysts (HP:0001407), Cystic liver disease (HP:0006706), Renal insufficiency (HP:0000083), Abnormal renal morphology (HP:0012210), Chronic kidney disease (HP:0012622), Stage 3 chronic kidney disease (HP:0012625).
Comment: ACMG Criteria: PM2_SUP,PP4